The following is an entry in ClinVar:

NM_004204.5(PIGQ):c.1069A>G (p.Ser357Gly)

Gene: PIGQ (phosphatidylinositol glycan anchor biosynthesis class Q; plus strand). Cytogenetic location: 16p13.3.
Variant type: single nucleotide variant.
Coding change: c.1069A>G on transcript NM_004204.5 (MANE Select); coding-DNA position 1069, A replaced by G.
Protein change: p.Ser357Gly; replaces serine 357 with glycine.
Molecular consequence: missense variant.
Genome position (GRCh38, 1-based): chr16:578,505, A>G. VCF-style: chr16-578505-A-G. GRCh37 (hg19) VCF-style: chr16-628505-A-G.
Other names: c.1069A>G, p.Ser357Gly (NM_148920.4); short protein forms S357G.
Identifiers: ClinVar variation 1437936 (VCV001437936.4), dbSNP rs914268596, ClinGen allele CA276485621.

ClinVar aggregate classification (germline): Uncertain significance (1 of 4 stars; one submission).

Conditions:
Epilepsy. Also called: Seizure disorder. Identifiers: MedGen C0014544, MeSH D004827, MONDO:0005027.

Allele frequency attached by ClinVar (database versions not stated): gnomAD exomes below 0.00001; gnomAD 0.00003; TOPMed 0.00004.
gnomAD v4.1: 5 of 1,612,000 alleles (0.00031%); highest among the groups gnomAD compares: Admixed American, 0.005%; 1 homozygote.

Submission:

Labcorp Genetics (formerly Invitae), Labcorp
Classification: Uncertain significance for Epilepsy. Last evaluated: 2023-06-19. Review status: criteria provided, single submitter. Criteria: Invitae Variant Classification Sherloc (09022015). Collection method: clinical testing. Allele origin: germline.
Comment: In summary, the available evidence is currently insufficient to determine the role of this variant in disease. Therefore, it has been classified as a Variant of Uncertain Significance. Algorithms developed to predict the effect of sequence changes on RNA splicing suggest that this variant may disrupt the consensus splice site. Algorithms developed to predict the effect of missense changes on protein structure and function output the following: SIFT: "Not Available"; PolyPhen-2: "Benign"; Align-GVGD: "Not Available". The glycine amino acid residue is found in multiple mammalian species, which suggests that this missense change does not adversely affect protein function. ClinVar contains an entry for this variant (Variation ID: 1437936). This variant has not been reported in the literature in individuals affected with PIGQ-related conditions. This variant is present in population databases (no rsID available, gnomAD 0.003%). This sequence change replaces serine, which is neutral and polar, with glycine, which is neutral and non-polar, at codon 357 of the PIGQ protein (p.Ser357Gly).